The following is an entry in ClinVar:

NM_006343.3(MERTK):c.2362G>A (p.Val788Met)

Gene: MERTK (MER proto-oncogene, tyrosine kinase; plus strand). Cytogenetic location: 2q13.
Variant type: single nucleotide variant.
Coding change: c.2362G>A on transcript NM_006343.3 (MANE Select); coding-DNA position 2362, G replaced by A.
Protein change: p.Val788Met; replaces valine 788 with methionine.
Molecular consequence: missense variant.
Genome position (GRCh38, 1-based): chr2:112,022,270, G>A. VCF-style: chr2-112022270-G-A. GRCh37 (hg19) VCF-style: chr2-112779847-G-A.
Other names: short protein forms V788M.
Identifiers: ClinVar variation 837266 (VCV000837266.10), dbSNP rs769691218, ClinGen allele CA1831817.

ClinVar aggregate classification (germline): Conflicting classifications of pathogenicity. Review status: criteria provided, conflicting classifications (1 of 4 stars). 2 submissions from 2 submitters: Pathogenic (1); Uncertain significance (1). Last evaluated 2024-11-13.

Conditions:
MERTK-related disorder. Also called: MERTK-related condition.

Allele frequency attached by ClinVar (database versions not stated): ExAC 0.00001; gnomAD 0.00001; gnomAD exomes 0.00001; TOPMed 0.00002.
gnomAD v4.1: 17 of 1,614,116 alleles (0.0011%); highest among the groups gnomAD compares: Admixed American, 0.0017%; no homozygotes.

Submissions (2):

Blueprint Genetics
Classification: Pathogenic for MERTK-related disorders. Last evaluated: 2024-11-13. Review status: criteria provided, single submitter. Criteria: ACMG Guidelines, 2015. Collection method: clinical testing. Allele origin: germline. Affected: yes. Observed: 5 variant alleles.

Labcorp Genetics (formerly Invitae), Labcorp
Classification: Uncertain significance. Last evaluated: 2022-09-27. Review status: criteria provided, single submitter. Criteria: Invitae Variant Classification Sherloc (09022015). Collection method: clinical testing. Allele origin: germline.
Comment: In summary, the available evidence is currently insufficient to determine the role of this variant in disease. Therefore, it has been classified as a Variant of Uncertain Significance. Advanced modeling of protein sequence and biophysical properties (such as structural, functional, and spatial information, amino acid conservation, physicochemical variation, residue mobility, and thermodynamic stability) has been performed at Invitae for this missense variant, however the output from this modeling did not meet the statistical confidence thresholds required to predict the impact of this variant on MERTK protein function. ClinVar contains an entry for this variant (Variation ID: 837266). This missense change has been observed in individual(s) with clinical features of retinitis pigmentosa (PMID: 33921607; Invitae). In at least one individual the data is consistent with being in trans (on the opposite chromosome) from a pathogenic variant. This variant is present in population databases (rs769691218, gnomAD 0.0009%). This sequence change replaces valine, which is neutral and non-polar, with methionine, which is neutral and non-polar, at codon 788 of the MERTK protein (p.Val788Met).

Literature cited by the submitters: PubMed 33921607 (cited by Labcorp Genetics (formerly Invitae), Labcorp).